The following is an entry in ClinVar:

ClinVar aggregate classification (germline): Uncertain significance (1 of 4 stars; one submission).

gnomAD v4.1: 8 of 1,613,804 alleles (0.0005%); highest among the groups gnomAD compares: South Asian, 0.0077%; no homozygotes.

Submission:

Labcorp Genetics (formerly Invitae), Labcorp
Classification: Uncertain significance. Last evaluated: 2025-06-23. Review status: criteria provided, single submitter. Criteria: Invitae Variant Classification Sherloc (09022015). Collection method: clinical testing. Allele origin: germline.
Comment: This sequence change replaces alanine, which is neutral and non-polar, with valine, which is neutral and non-polar, at codon 248 of the ERBB4 protein (p.Ala248Val). This variant is present in population databases (rs537320227, gnomAD 0.01%). This variant has not been reported in the literature in individuals affected with ERBB4-related conditions. An algorithm developed to predict the effect of missense changes on protein structure and function (PolyPhen-2) suggests that this variant is likely to be tolerated. In summary, the available evidence is currently insufficient to determine the role of this variant in disease. Therefore, it has been classified as a Variant of Uncertain Significance.

NM_005235.3(ERBB4):c.743C>T (p.Ala248Val)

Gene: ERBB4 (erb-b2 receptor tyrosine kinase 4; minus strand). Cytogenetic location: 2q34.
Variant type: single nucleotide variant.
Coding change: c.743C>T on transcript NM_005235.3 (MANE Select); coding-DNA position 743, C replaced by T.
Protein change: p.Ala248Val; replaces alanine 248 with valine.
Molecular consequence: missense variant.
Genome position (GRCh38, 1-based): chr2:211,722,533, G>A on the plus strand (C>T on the coding strand, the complement: ERBB4 is on the minus strand). VCF-style: chr2-211722533-G-A. GRCh37 (hg19) VCF-style: chr2-212587258-G-A.
Other names: c.743C>T, p.Ala248Val (NM_001042599.2, NM_001439005.1, NM_001439006.1); short protein forms A248V.
Identifiers: ClinVar variation 4781773 (VCV004781773.1).